The following is an entry in ClinVar:

ClinVar aggregate classification (germline): Pathogenic (1 of 4 stars; one submission).

Conditions:
Developmental and epileptic encephalopathy 94 (DEE94). Also called: CHD2-Related Neurodevelopmental Disorders; Epileptic encephalopathy, childhood-onset. Identifiers: Orphanet 1942, Orphanet 2382, MedGen C3809278, MONDO:0014150, OMIM 615369.

Submission:

Institute of Human Genetics, University of Leipzig Medical Center
Classification: Pathogenic for Developmental and epileptic encephalopathy 94. Last evaluated: 2025-09-22. Review status: criteria provided, single submitter. Criteria: ACMG Guidelines, 2015. Collection method: clinical testing. Allele origin: unknown. Inheritance: Autosomal dominant inheritance. Affected: yes.
Comment: Criteria applied: PVS1,PM2

NM_001271.4(CHD2):c.1677dup (p.Asn560Ter)

Gene: CHD2 (chromodomain helicase DNA binding protein 2; plus strand). Cytogenetic location: 15q26.1.
Variant type: Duplication.
Coding change: c.1677dup on transcript NM_001271.4 (MANE Select); coding-DNA position 1677, one base duplicated (T; older notation c.1677dupT).
Protein change: p.Asn560Ter; replaces asparagine 560 with a stop codon.
Molecular consequence: nonsense.
Genome position (GRCh38, 1-based): chr15:92,953,531, T duplicated; the last of 2 consecutive T bases (chr15:92,953,530-92,953,531); duplicating either gives the same sequence. VCF-style (leftmost placement, unchanged base first): chr15-92953529-A-AT. GRCh37 (hg19) VCF-style: chr15-93496759-A-AT.
Other names: short protein forms N560*.
Identifiers: ClinVar variation 4291114 (VCV004291114.1).
Genomic context (GRCh38, chr15:92,953,529, plus strand): 5'-GTCGTCCCTTTATCCACCCTCACCTCATGGCAGAGAGAGTTTGAAATCTGGGCACCAGAG[A>AT]TTAACGTAGTGGTTTACATAGGTGACCTGATGAGCAGAAATACGGTGTGTAAACAAAAAG-3'